The following is an entry in ClinVar:

ClinVar aggregate classification (germline): Uncertain significance (1 of 4 stars; one submission).

Conditions:
Fanconi anemia (FA). Also called: Fanconi's anemia. Identifiers: Orphanet 84, MedGen C0015625, MeSH D005199, MONDO:0019391.

Submission:

Labcorp Genetics (formerly Invitae), Labcorp
Classification: Uncertain significance for Fanconi anemia. Last evaluated: 2024-05-06. Review status: criteria provided, single submitter. Criteria: Invitae Variant Classification Sherloc (09022015). Collection method: clinical testing. Allele origin: germline.
Comment: This sequence change falls in intron 1 of the FANCL gene. It does not directly change the encoded amino acid sequence of the FANCL protein. It affects a nucleotide within the consensus splice site. This variant is not present in population databases (gnomAD no frequency). This variant has not been reported in the literature in individuals affected with FANCL-related conditions. ClinVar contains an entry for this variant (Variation ID: 1011259). Variants that disrupt the consensus splice site are a relatively common cause of aberrant splicing (PMID: 17576681, 9536098). Algorithms developed to predict the effect of sequence changes on RNA splicing suggest that this variant is not likely to affect RNA splicing. In summary, the available evidence is currently insufficient to determine the role of this variant in disease. Therefore, it has been classified as a Variant of Uncertain Significance.

Literature cited by the submitters: PubMed 17576681; PubMed 9536098.

NM_018062.4(FANCL):c.96+6C>T

Gene: FANCL (FA complementation group L; minus strand). Cytogenetic location: 2p16.1.
Variant type: single nucleotide variant.
Coding change: c.96+6C>T on transcript NM_018062.4 (MANE Select); 6 bases into the intron after coding-DNA position 96, C replaced by T.
Molecular consequence: intron variant.
Genome position (GRCh38, 1-based): chr2:58,241,212, G>A on the plus strand (C>T on the coding strand, the complement: FANCL is on the minus strand). VCF-style: chr2-58241212-G-A. GRCh37 (hg19) VCF-style: chr2-58468347-G-A.
Other names: c.96+6C>T (NM_001374615.1, NM_001114636.2, NM_001410792.1).
Identifiers: ClinVar variation 1011259 (VCV001011259.10), dbSNP rs544743506, ClinGen allele CA1253762273.